The following is an entry in ClinVar:

ClinVar aggregate classification (germline): Conflicting classifications of pathogenicity. Review status: criteria provided, conflicting classifications (1 of 4 stars). 3 submissions from 3 submitters: Uncertain significance (1); Benign (1). 1 of the submissions does not count toward it. Last evaluated 2024-05-06.

Conditions:
COG4-related disorder. Also called: COG4-related condition.
COG4-congenital disorder of glycosylation. Also called: CONGENITAL DISORDER OF GLYCOSYLATION, TYPE IIj; CDG IIj; COG4-CDG. Identifiers: Orphanet 263501, MedGen C4303552, MONDO:0013281, OMIM 613489.

Allele frequency attached by ClinVar (database versions not stated): ESP Exome Variant Server 0.00023; gnomAD 0.00028 and 0.00030; ExAC 0.00033; gnomAD exomes 0.00042; TOPMed 0.00048.
gnomAD v4.1: 329 of 1,613,822 alleles (0.02%); highest among the groups gnomAD compares: Admixed American, 0.055%; no homozygotes.

Submissions (3):

Labcorp Genetics (formerly Invitae), Labcorp
Classification: Benign for COG4-congenital disorder of glycosylation. Last evaluated: 2024-05-06. Review status: criteria provided, single submitter. Criteria: Invitae Variant Classification Sherloc (09022015). Collection method: clinical testing. Allele origin: germline.

GeneDx
Classification: Uncertain significance. Last evaluated: 2019-07-09. Review status: criteria provided, single submitter. Criteria: GeneDx Variant Classification Process June 2021. Collection method: clinical testing. Allele origin: germline. Affected: yes.
Comment: In silico analysis, which includes protein predictors and evolutionary conservation, supports a deleterious effect; Has not been previously published as pathogenic or benign to our knowledge

PreventionGenetics, part of Exact Sciences
Classification: Likely benign for COG4-related condition. Last evaluated: 2019-07-30. Review status: no assertion criteria provided. Collection method: clinical testing. Allele origin: germline. Not counted in ClinVar's aggregate classification.
Comment: This variant is classified as likely benign based on ACMG/AMP sequence variant interpretation guidelines (Richards et al. 2015 PMID: 25741868, with internal and published modifications).

NM_015386.3(COG4):c.2030A>G (p.Asp677Gly)

Gene: COG4 (component of oligomeric golgi complex 4; minus strand). Cytogenetic location: 16q22.1.
Variant type: single nucleotide variant.
Coding change: c.2030A>G on transcript NM_015386.3 (MANE Select); coding-DNA position 2030, A replaced by G.
Protein change: p.Asp677Gly; replaces aspartic acid 677 with glycine.
Molecular consequence: missense variant. On other transcripts: non-coding transcript variant (1).
Genome position (GRCh38, 1-based): chr16:70,481,840, T>C on the plus strand (A>G on the coding strand, the complement: COG4 is on the minus strand). VCF-style: chr16-70481840-T-C. GRCh37 (hg19) VCF-style: chr16-70515743-T-C.
Other names: c.1955A>G, p.Asp652Gly (NM_001195139.2); c.1604A>G, p.Asp535Gly (NM_001365426.1); short protein forms D535G, D652G, D677G.
Identifiers: ClinVar variation 800159 (VCV000800159.13), dbSNP rs201323781, ClinGen allele CA8144073.